The following is an entry in ClinVar:

NM_031308.4(EPPK1):c.2460C>T (p.Ser820=)

Gene: EPPK1 (epiplakin 1; minus strand). Cytogenetic location: 8q24.3.
Variant type: single nucleotide variant.
Coding change: c.2460C>T on transcript NM_031308.4 (MANE Select); coding-DNA position 2460, C replaced by T.
Protein change: p.Ser820=; no amino-acid change (serine 820 retained).
Molecular consequence: synonymous variant.
Genome position (GRCh38, 1-based): chr8:143,870,794, G>A on the plus strand (C>T on the coding strand, the complement: EPPK1 is on the minus strand). VCF-style: chr8-143870794-G-A. GRCh37 (hg19) VCF-style: chr8-144944962-G-A.
Identifiers: ClinVar variation 3029733 (VCV003029733.2), dbSNP rs782319201, ClinGen allele CA4923055.

ClinVar aggregate classification (germline): Likely benign (0 of 4 stars; one submission).

Conditions:
EPPK1-related disorder. Also called: EPPK1-related condition.

Allele frequency attached by ClinVar (database versions not stated): ExAC 0.00001; gnomAD 0.00001; gnomAD exomes 0.00001; TOPMed 0.00002.
gnomAD v4.1: 21 of 1,612,578 alleles (0.0013%); highest among the groups gnomAD compares: African/African-American, 0.0027%; no homozygotes.

Submission:

PreventionGenetics, part of Exact Sciences
Classification: Likely benign for EPPK1-related condition. Last evaluated: 2022-02-16. Review status: no assertion criteria provided. Collection method: clinical testing. Allele origin: germline.
Comment: This variant is classified as likely benign based on ACMG/AMP sequence variant interpretation guidelines (Richards et al. 2015 PMID: 25741868, with internal and published modifications).